The following is an entry in ClinVar:

ClinVar aggregate classification (germline): Uncertain significance (1 of 4 stars; one submission).

Conditions:
Emery-Dreifuss muscular dystrophy (EDMD). Also called: Scapuloperoneal syndrome, X-linked (formerly); Humeroperoneal neuromuscular disease, (formerly). Identifiers: Orphanet 261, MedGen C0410189, MONDO:0016830.

gnomAD v4.1: 1 of 1,614,088 alleles (0.000062%); highest among the groups gnomAD compares: Non-Finnish European, 0.000085%; no homozygotes.

Submission:

Labcorp Genetics (formerly Invitae), Labcorp
Classification: Uncertain significance for Emery-Dreifuss muscular dystrophy. Last evaluated: 2019-06-07. Review status: criteria provided, single submitter. Criteria: Invitae Variant Classification Sherloc (09022015). Collection method: clinical testing. Allele origin: germline.
Comment: This variant has not been reported in the literature in individuals with SUN1-related conditions. Algorithms developed to predict the effect of missense changes on protein structure and function output the following: SIFT: "Tolerated"; PolyPhen-2: "Benign"; Align-GVGD: "Class C0". The leucine amino acid residue is found in multiple mammalian species, suggesting that this missense change does not adversely affect protein function. These predictions have not been confirmed by published functional studies and their clinical significance is uncertain. In summary, the available evidence is currently insufficient to determine the role of this variant in disease. Therefore, it has been classified as a Variant of Uncertain Significance. This variant is not present in population databases (ExAC no frequency). This sequence change replaces valine with leucine at codon 208 of the SUN1 protein (p.Val208Leu). The valine residue is weakly conserved and there is a small physicochemical difference between valine and leucine.

NM_001130965.3(SUN1):c.622G>T (p.Val208Leu)

Gene: SUN1 (Sad1 and UNC84 domain containing 1; plus strand). Cytogenetic location: 7p22.3.
Variant type: single nucleotide variant.
Coding change: c.622G>T on transcript NM_001130965.3 (MANE Select); coding-DNA position 622, G replaced by T.
Protein change: p.Val208Leu; replaces valine 208 with leucine.
Molecular consequence: missense variant. On other transcripts: synonymous variant (1), 5 prime UTR variant (1), non-coding transcript variant (3), intron variant (1).
Genome position (GRCh38, 1-based): chr7:843,484, G>T. VCF-style: chr7-843484-G-T. GRCh37 (hg19) VCF-style: chr7-883121-G-T.
Other names: c.685G>T, p.Val229Leu (NM_001171945.2); c.622G>T, p.Val208Leu (NM_001171946.2, NM_001367633.1, NM_001367634.1 and 32 more transcripts); c.165G>T, p.Pro55= (NM_001367635.1); c.472G>T, p.Val158Leu (NM_001367636.1, NM_001367644.1, NM_001367645.1 and 23 more transcripts); c.55G>T, p.Val19Leu (NM_001367639.1, NM_001367708.1); c.841G>T, p.Val281Leu (NM_001367651.1); c.-140G>T (NM_001367658.1); c.649G>T, p.Val217Leu (NM_001367669.1); and 2 more; short protein forms V208L, V229L, V281L, V19L, V145L, V217L, V158L.
Identifiers: ClinVar variation 935313 (VCV000935313.9), dbSNP rs539058781, ClinGen allele CA366548775.